The following is an entry in ClinVar:

ClinVar aggregate classification (germline): Uncertain significance. Review status: criteria provided, multiple submitters, no conflicts (2 of 4 stars). 2 submissions from 2 submitters: Uncertain significance (2). Last evaluated 2025-08-29.

Conditions:
Inborn genetic diseases. Identifiers: MedGen C0950123, MeSH D030342.
Tatton-Brown-Rahman overgrowth syndrome. Also called: Tall stature-intellectual disability-facial dysmorphism syndrome; Tatton-Brown-Rahman syndrome. Identifiers: Orphanet 404443, MedGen C4014545, MONDO:0014382, OMIM 615879.

gnomAD v4.1: 1 of 1,611,568 alleles (0.000062%); highest among the groups gnomAD compares: African/African-American, 0.0013%; no homozygotes.

Submissions (2):

Labcorp Genetics (formerly Invitae), Labcorp
Classification: Uncertain significance for Tatton-Brown-Rahman overgrowth syndrome. Last evaluated: 2025-08-29. Review status: criteria provided, single submitter. Criteria: Invitae Variant Classification Sherloc (09022015). Collection method: clinical testing. Allele origin: germline.
Comment: This sequence change replaces valine, which is neutral and non-polar, with alanine, which is neutral and non-polar, at codon 435 of the DNMT3A protein (p.Val435Ala). This variant is not present in population databases (gnomAD no frequency). This variant has not been reported in the literature in individuals affected with DNMT3A-related conditions. ClinVar contains an entry for this variant (Variation ID: 3841736). Invitae Evidence Modeling of protein sequence and biophysical properties (such as structural, functional, and spatial information, amino acid conservation, physicochemical variation, residue mobility, and thermodynamic stability) indicates that this missense variant is not expected to disrupt DNMT3A protein function with a negative predictive value of 95%. In summary, the available evidence is currently insufficient to determine the role of this variant in disease. Therefore, it has been classified as a Variant of Uncertain Significance.

Ambry Genetics
Classification: Uncertain significance for Inborn genetic diseases. Last evaluated: 2024-12-16. Review status: criteria provided, single submitter. Criteria: Ambry Variant Classification Scheme 2023. Collection method: clinical testing. Allele origin: germline.
Comment: The p.V435A variant (also known as c.1304T>C), located in coding exon 10 of the DNMT3A gene, results from a T to C substitution at nucleotide position 1304. The valine at codon 435 is replaced by alanine, an amino acid with similar properties. This amino acid position is conserved. In addition, this alteration is predicted to be deleterious by in silico analysis. Based on the available evidence, the clinical significance of this variant remains unclear.

NM_022552.5(DNMT3A):c.1304T>C (p.Val435Ala)

Gene: DNMT3A (DNA methyltransferase 3 alpha; minus strand). Cytogenetic location: 2p23.3.
Variant type: single nucleotide variant.
Coding change: c.1304T>C on transcript NM_022552.5 (MANE Select); coding-DNA position 1304, T replaced by C.
Protein change: p.Val435Ala; replaces valine 435 with alanine.
Molecular consequence: missense variant. On other transcripts: non-coding transcript variant (1).
Genome position (GRCh38, 1-based): chr2:25,246,285, A>G on the plus strand (T>C on the coding strand, the complement: DNMT3A is on the minus strand). VCF-style: chr2-25246285-A-G. GRCh37 (hg19) VCF-style: chr2-25469154-A-G.
Other names: c.848T>C, p.Val283Ala (NM_001320893.1); c.635T>C, p.Val212Ala (NM_001375819.1); c.737T>C, p.Val246Ala (NM_153759.3); c.1304T>C, p.Val435Ala (NM_175629.2); short protein forms V212A, V246A, V435A, V283A.
Identifiers: ClinVar variation 3841736 (VCV003841736.2).